The following is an entry in ClinVar:

ClinVar aggregate classification (germline): Likely benign (1 of 4 stars; one submission).

Allele frequency attached by ClinVar (database versions not stated): TOPMed 0.00002; gnomAD 0.00001.

Submission:

GeneDx
Classification: Likely benign. Last evaluated: 2017-07-14. Review status: criteria provided, single submitter. Criteria: GeneDx Variant Classification (06012015). Collection method: clinical testing. Allele origin: germline. Affected: yes.
Comment: This variant is considered likely benign or benign based on one or more of the following criteria: it is a conservative change, it occurs at a poorly conserved position in the protein, it is predicted to be benign by multiple in silico algorithms, and/or has population frequency not consistent with disease.

NM_005045.4(RELN):c.6072+18A>G

Gene: RELN (reelin; minus strand). Cytogenetic location: 7q22.1.
Variant type: single nucleotide variant.
Coding change: c.6072+18A>G on transcript NM_005045.4 (MANE Select); 18 bases into the intron after coding-DNA position 6072, A replaced by G.
Molecular consequence: intron variant.
Genome position (GRCh38, 1-based): chr7:103,553,443, T>C on the plus strand (A>G on the coding strand, the complement: RELN is on the minus strand). VCF-style: chr7-103553443-T-C. GRCh37 (hg19) VCF-style: chr7-103193890-T-C.
Other names: c.6072+18A>G (NM_173054.3).
Identifiers: ClinVar variation 510891 (VCV000510891.1), dbSNP rs1272084565, ClinGen allele CA658796982.